The following is an entry in ClinVar:

ClinVar aggregate classification (germline): Uncertain significance (1 of 4 stars; one submission).

Submission:

GeneDx
Classification: Uncertain significance. Last evaluated: 2022-03-23. Review status: criteria provided, single submitter. Criteria: GeneDx Variant Classification Process June 2021. Collection method: clinical testing. Allele origin: germline. Affected: yes.
Comment: Not observed at significant frequency in large population cohorts (gnomAD); In silico analysis supports that this missense variant has a deleterious effect on protein structure/function; Has not been previously published as pathogenic or benign to our knowledge

NM_014991.6(WDFY3):c.8999T>A (p.Ile3000Asn)

Gene: WDFY3 (WD repeat and FYVE domain containing 3; minus strand). Cytogenetic location: 4q21.23.
Variant type: single nucleotide variant.
Coding change: c.8999T>A on transcript NM_014991.6 (MANE Select); coding-DNA position 8999, T replaced by A.
Protein change: p.Ile3000Asn; replaces isoleucine 3000 with asparagine.
Molecular consequence: missense variant.
Genome position (GRCh38, 1-based): chr4:84,692,935, A>T on the plus strand (T>A on the coding strand, the complement: WDFY3 is on the minus strand). VCF-style: chr4-84692935-A-T. GRCh37 (hg19) VCF-style: chr4-85614088-A-T.
Other names: short protein forms I3000N.
Identifiers: ClinVar variation 1710854 (VCV001710854.2), dbSNP rs2530812301, ClinGen allele CA357538153.
Genomic context (GRCh38, chr4:84,692,935, plus strand): 5'-ATTATTTTACCTTTTACAGGTGTTAGAGAAGGCCTCAAGTTGTCTAGATGATGAAAAAAG[A>T]TCTTGTCACTTGTAGATCCTGGTAGGACAGAGATTCCTGCATTGTCTCCATTGAGTCGAC-3'
Protein context (NP_055806.2, residues 2990-3010): SVLPGSTSDK[Ile3000Asn]FFHHLDNLRP